The following is an entry in ClinVar:

NM_000255.4(MMUT):c.810_811dup (p.Ala271fs)

Gene: MMUT (methylmalonyl-CoA mutase; minus strand). Cytogenetic location: 6p12.3.
Variant type: Duplication.
Coding change: c.810_811dup on transcript NM_000255.4 (MANE Select); coding-DNA positions 810 to 811, 2 bases duplicated (GG; older notation c.810_811dupGG).
Protein change: p.Ala271fs; shifts the reading frame from alanine 271.
Molecular consequence: frameshift variant.
Genome position (GRCh38, 1-based): chr6:49,456,180-49,456,181, CC duplicated on the plus strand (GG on the coding strand, the reverse complement: MMUT is on the minus strand); duplicating any 2 consecutive bases within chr6:49,456,180-49,456,183 gives the same sequence; the c. name uses the placement nearest the transcript's 3' end. VCF-style (leftmost placement, unchanged base first): chr6-49456179-G-GCC. GRCh37 (hg19) VCF-style: chr6-49423892-G-GCC.
Other names: short protein forms A271fs.
Identifiers: ClinVar variation 2734892 (VCV002734892.3), dbSNP rs764189353, ClinGen allele CA3847032.
Genomic context (GRCh38, chr6:49,456,179, plus strand): 5'-CCAGTTCTAGAGTACTCCAATCCATCTGCTAAAGTATAGGCCAGCTCCAGAATGGCATCA[G>GCC]CCCCTGCTTCCTGCATATGGTATCCACTAATTGAAATTGAATTAAATTTTGGCATGTGCT-3'

ClinVar aggregate classification (germline): Pathogenic (1 of 4 stars; one submission).

Submission:

Labcorp Genetics (formerly Invitae), Labcorp
Classification: Pathogenic. Last evaluated: 2023-09-01. Review status: criteria provided, single submitter. Criteria: Invitae Variant Classification Sherloc (09022015). Collection method: clinical testing. Allele origin: germline.
Comment: This premature translational stop signal has been observed in individual(s) with methylmalonic acidemia (PMID: 26454439). This variant is present in population databases (rs764189353, gnomAD 0.006%). This sequence change creates a premature translational stop signal (p.Ala271Glyfs*12) in the MUT gene. It is expected to result in an absent or disrupted protein product. Loss-of-function variants in MUT are known to be pathogenic (PMID: 15781192). For these reasons, this variant has been classified as Pathogenic.

Literature cited by the submitters: PubMed 26454439; PubMed 15781192.